The following is an entry in ClinVar:

ClinVar aggregate classification (germline): Likely benign. Review status: criteria provided, single submitter (1 of 4 stars). 2 submissions from 2 submitters: Likely benign (1). 1 of the submissions does not count toward it. Last evaluated 2024-06-30.

Conditions:
LRP2-related disorder. Also called: LRP2-related condition.

Allele frequency attached by ClinVar (database versions not stated): gnomAD exomes 0.00001; ExAC 0.00002; gnomAD 0.00003; TOPMed 0.00005.
gnomAD v4.1: 13 of 1,614,028 alleles (0.00081%); highest among the groups gnomAD compares: Admixed American, 0.0083%; no homozygotes.

Submissions (2):

Labcorp Genetics (formerly Invitae), Labcorp
Classification: Likely benign. Last evaluated: 2024-06-30. Review status: criteria provided, single submitter. Criteria: Invitae Variant Classification Sherloc (09022015). Collection method: clinical testing. Allele origin: germline.

PreventionGenetics, part of Exact Sciences
Classification: Likely benign for LRP2-related condition. Last evaluated: 2019-09-23. Review status: no assertion criteria provided. Collection method: clinical testing. Allele origin: germline. Not counted in ClinVar's aggregate classification.
Comment: This variant is classified as likely benign based on ACMG/AMP sequence variant interpretation guidelines (Richards et al. 2015 PMID: 25741868, with internal and published modifications).

NM_004525.3(LRP2):c.3190+10T>C

Gene: LRP2 (LDL receptor related protein 2; minus strand). Cytogenetic location: 2q31.1.
Variant type: single nucleotide variant.
Coding change: c.3190+10T>C on transcript NM_004525.3 (MANE Select); 10 bases into the intron after coding-DNA position 3190, T replaced by C.
Molecular consequence: intron variant.
Genome position (GRCh38, 1-based): chr2:169,246,695, A>G on the plus strand (T>C on the coding strand, the complement: LRP2 is on the minus strand). VCF-style: chr2-169246695-A-G. GRCh37 (hg19) VCF-style: chr2-170103205-A-G.
Other names: c.3190+10T>C (NM_004525.2).
Identifiers: ClinVar variation 2713320 (VCV002713320.5), dbSNP rs747906758, ClinGen allele CA1955112.